The following is an entry in ClinVar:

NM_024422.6(DSC2):c.2608G>A (p.Gly870Ser)

Gene: DSC2 (desmocollin 2; minus strand). Cytogenetic location: 18q12.1.
Variant type: single nucleotide variant.
Coding change: c.2608G>A on transcript NM_024422.6 (MANE Select); coding-DNA position 2608, G replaced by A.
Protein change: p.Gly870Ser; replaces glycine 870 with serine.
Molecular consequence: missense variant. On other transcripts: 3 prime UTR variant (2).
Genome position (GRCh38, 1-based): chr18:31,068,113, C>T on the plus strand (G>A on the coding strand, the complement: DSC2 is on the minus strand). VCF-style: chr18-31068113-C-T. GRCh37 (hg19) VCF-style: chr18-28648079-C-T.
Other names: c.2179G>A, p.Gly727Ser (NM_001406506.1); c.*110G>A (NM_001406507.1, NM_004949.5); short protein forms G727S, G870S.
Identifiers: ClinVar variation 3386508 (VCV003386508.1).

ClinVar aggregate classification (germline): Uncertain significance (1 of 4 stars; one submission).

Conditions:
Familial isolated arrhythmogenic right ventricular dysplasia. Identifiers: Orphanet 217656, MedGen C4274968, MONDO:0016342.

Submission:

All of Us Research Program, National Institutes of Health
Classification: Uncertain significance for Familial isolated arrhythmogenic right ventricular dysplasia. Last evaluated: 2024-08-06. Review status: criteria provided, single submitter. Criteria: ACMG Guidelines, 2015. Collection method: clinical testing. Allele origin: germline. Inheritance: Autosomal dominant inheritance. Observed: 1 variant allele, 1 heterozygote.
Comment: This study involves interpretation of variants in research participants for the purpose of population health screening. Participant phenotype was not available at the time of variant classification. Additional details can be found in publication PMID: 35346344, PMCID: PMC8962531